The following is an entry in ClinVar:

NM_021831.6(AGBL5):c.853G>A (p.Val285Ile)

Gene: AGBL5 (AGBL carboxypeptidase 5; plus strand). Cytogenetic location: 2p23.3.
Variant type: single nucleotide variant.
Coding change: c.853G>A on transcript NM_021831.6 (MANE Select); coding-DNA position 853, G replaced by A.
Protein change: p.Val285Ile; replaces valine 285 with isoleucine.
Molecular consequence: missense variant. On other transcripts: non-coding transcript variant (2).
Genome position (GRCh38, 1-based): chr2:27,055,198, G>A. VCF-style: chr2-27055198-G-A. GRCh37 (hg19) VCF-style: chr2-27278066-G-A.
Other names: c.853G>A, p.Val285Ile (NM_001035506.1, NM_001035507.3); short protein forms V285I.
Identifiers: ClinVar variation 1901810 (VCV001901810.5), dbSNP rs747738876, ClinGen allele CA1567743.

ClinVar aggregate classification (germline): Uncertain significance (1 of 4 stars; one submission).

Allele frequency attached by ClinVar (database versions not stated): ExAC 0.00001; gnomAD exomes 0.00001.
gnomAD v4.1: 10 of 1,614,166 alleles (0.00062%); highest among the groups gnomAD compares: South Asian, 0.0077%; no homozygotes.

Submission:

Labcorp Genetics (formerly Invitae), Labcorp
Classification: Uncertain significance. Last evaluated: 2022-07-12. Review status: criteria provided, single submitter. Criteria: Invitae Variant Classification Sherloc (09022015). Collection method: clinical testing. Allele origin: germline.
Comment: In summary, the available evidence is currently insufficient to determine the role of this variant in disease. Therefore, it has been classified as a Variant of Uncertain Significance. Algorithms developed to predict the effect of missense changes on protein structure and function are either unavailable or do not agree on the potential impact of this missense change (SIFT: "Tolerated"; PolyPhen-2: "Probably Damaging"; Align-GVGD: "Class C0"). This variant has not been reported in the literature in individuals affected with AGBL5-related conditions. This variant is present in population databases (rs747738876, gnomAD 0.01%). This sequence change replaces valine, which is neutral and non-polar, with isoleucine, which is neutral and non-polar, at codon 285 of the AGBL5 protein (p.Val285Ile).